The following is an entry in ClinVar:

NM_001042492.3(NF1):c.4239del (p.Phe1413fs)

Gene: NF1 (neurofibromin 1; plus strand). Cytogenetic location: 17q11.2.
Variant type: Deletion.
Coding change: c.4239del on transcript NM_001042492.3 (MANE Select); coding-DNA position 4239, one base deleted (T; older notation c.4239delT).
Protein change: p.Phe1413fs; shifts the reading frame from phenylalanine 1413.
Molecular consequence: frameshift variant.
Genome position (GRCh38, 1-based): chr17:31,258,409, T deleted; the last of 3 consecutive T bases (chr17:31,258,407-31,258,409); deleting any one gives the same sequence. VCF-style (leftmost placement, unchanged base first): chr17-31258406-AT-A. GRCh37 (hg19) VCF-style: chr17-29585424-AT-A.
Other names: c.4176delT, p.Phe1392Leufs (NM_000267.4); short protein forms F1392fs, F1413fs.
Identifiers: ClinVar variation 841064 (VCV000841064.6), dbSNP rs2067621912, ClinGen allele CA916080598.
Genomic context (GRCh38, chr17:31,258,406, plus strand): 5'-GGTTAGCCAGCGTTTCCCTCAGAACAGCATCGGTGCAGTAGGAAGTGCCATGTTCCTCAG[AT>A]TTATCAATCCTGCCATTGTCTCACCGTATGAAGCAGGGATTTTAGATAAAAAGCCACCAC-3'

ClinVar aggregate classification (germline): Pathogenic (1 of 4 stars; one submission).

Conditions:
Neurofibromatosis, type 1 (NF1). Also called: Peripheral type neurofibromatosis; VON RECKLINGHAUSEN DISEASE; Neurofibromatosis, type I; NEUROFIBROMATOSIS, TYPE I, SOMATIC. Identifiers: Orphanet 636, MedGen C0027831, MONDO:0018975, OMIM 162200. Disease mechanism: loss of function.

Submission:

Labcorp Genetics (formerly Invitae), Labcorp
Classification: Pathogenic for Neurofibromatosis, type 1. Last evaluated: 2024-12-17. Review status: criteria provided, single submitter. Criteria: Invitae Variant Classification Sherloc (09022015). Collection method: clinical testing. Allele origin: germline.
Comment: This sequence change creates a premature translational stop signal (p.Phe1392Leufs*15) in the NF1 gene. It is expected to result in an absent or disrupted protein product. Loss-of-function variants in NF1 are known to be pathogenic (PMID: 10712197, 23913538). This variant is not present in population databases (gnomAD no frequency). This variant has not been reported in the literature in individuals affected with NF1-related conditions. ClinVar contains an entry for this variant (Variation ID: 841064). For these reasons, this variant has been classified as Pathogenic.

Literature cited by the submitters: PubMed 10712197; PubMed 23913538.